The following is an entry in ClinVar:

NM_003482.4(KMT2D):c.9410C>G (p.Ala3137Gly)

Gene: KMT2D (lysine methyltransferase 2D; minus strand). Cytogenetic location: 12q13.12.
Variant type: single nucleotide variant.
Coding change: c.9410C>G on transcript NM_003482.4 (MANE Select); coding-DNA position 9410, C replaced by G.
Protein change: p.Ala3137Gly; replaces alanine 3137 with glycine.
Molecular consequence: missense variant.
Genome position (GRCh38, 1-based): chr12:49,037,946, G>C on the plus strand (C>G on the coding strand, the complement: KMT2D is on the minus strand). VCF-style: chr12-49037946-G-C. GRCh37 (hg19) VCF-style: chr12-49431729-G-C.
Other names: short protein forms A3137G.
Identifiers: ClinVar variation 3618071 (VCV003618071.2).

ClinVar aggregate classification (germline): Uncertain significance (1 of 4 stars; one submission).

Conditions:
Kabuki syndrome. Also called: NIIKAWA-KUROKI SYNDROME; Kabuki make-up syndrome. Identifiers: Orphanet 2322, MedGen C0796004, MONDO:0016512.

Submission:

Labcorp Genetics (formerly Invitae), Labcorp
Classification: Uncertain significance for Kabuki syndrome. Last evaluated: 2024-05-22. Review status: criteria provided, single submitter. Criteria: Invitae Variant Classification Sherloc (09022015). Collection method: clinical testing. Allele origin: germline.
Comment: This sequence change replaces alanine, which is neutral and non-polar, with glycine, which is neutral and non-polar, at codon 3137 of the KMT2D protein (p.Ala3137Gly). This variant is not present in population databases (gnomAD no frequency). This variant has not been reported in the literature in individuals affected with KMT2D-related conditions. Advanced modeling of protein sequence and biophysical properties (such as structural, functional, and spatial information, amino acid conservation, physicochemical variation, residue mobility, and thermodynamic stability) performed at Invitae indicates that this missense variant is not expected to disrupt KMT2D protein function with a negative predictive value of 95%. In summary, the available evidence is currently insufficient to determine the role of this variant in disease. Therefore, it has been classified as a Variant of Uncertain Significance.